The following is an entry in ClinVar:

NM_006019.4(TCIRG1):c.758G>A (p.Arg253His)

Gene: TCIRG1 (T cell immune regulator 1, ATPase H+ transporting V0 subunit a3; plus strand). Cytogenetic location: 11q13.2.
Variant type: single nucleotide variant.
Coding change: c.758G>A on transcript NM_006019.4 (MANE Select); coding-DNA position 758, G replaced by A.
Protein change: p.Arg253His; replaces arginine 253 with histidine.
Molecular consequence: missense variant. On other transcripts: 5 prime UTR variant (1).
Genome position (GRCh38, 1-based): chr11:68,043,858, G>A. VCF-style: chr11-68043858-G-A. GRCh37 (hg19) VCF-style: chr11-67811325-G-A.
Other names: c.-137G>A (NM_001351059.2); c.110G>A, p.Arg37His (NM_006053.4); short protein forms R37H, R253H.
Identifiers: ClinVar variation 2147171 (VCV002147171.1), dbSNP rs755617128, ClinGen allele CA6146810.

ClinVar aggregate classification (germline): Uncertain significance (1 of 4 stars; one submission).

Allele frequency attached by ClinVar (database versions not stated): gnomAD 0.00001; TOPMed 0.00002; ExAC 0.00004.
gnomAD v4.1: 12 of 1,569,440 alleles (0.00076%); highest among the groups gnomAD compares: Non-Finnish European, 0.001%; no homozygotes.

Submission:

Labcorp Genetics (formerly Invitae), Labcorp
Classification: Uncertain significance. Last evaluated: 2021-07-28. Review status: criteria provided, single submitter. Criteria: Invitae Variant Classification Sherloc (09022015). Collection method: clinical testing. Allele origin: germline.
Comment: This sequence change replaces arginine with histidine at codon 253 of the TCIRG1 protein (p.Arg253His). The arginine residue is highly conserved and there is a small physicochemical difference between arginine and histidine. The frequency data for this variant in the population databases is considered unreliable, as metrics indicate poor data quality at this position in the ExAC database. This variant has not been reported in the literature in individuals with TCIRG1-related conditions. Algorithms developed to predict the effect of missense changes on protein structure and function are either unavailable or do not agree on the potential impact of this missense change (SIFT: "Deleterious"; PolyPhen-2: "Probably Damaging"; Align-GVGD: "Class C0"). In summary, the available evidence is currently insufficient to determine the role of this variant in disease. Therefore, it has been classified as a Variant of Uncertain Significance.